The following is an entry in ClinVar:

ClinVar aggregate classification (germline): Uncertain significance. Review status: criteria provided, multiple submitters, no conflicts (2 of 4 stars). 4 submissions from 4 submitters: Uncertain significance (4). Last evaluated 2026-09-01.

Conditions:
DCDC2-related disorder. Also called: DCDC2-related condition.
Isolated neonatal sclerosing cholangitis (NSC). Also called: Sclerosing cholangitis, neonatal. Identifiers: Orphanet 480556, MedGen C4479344, MONDO:0018816, OMIM 617394.
Nephronophthisis 19 (NPHP19). Identifiers: Orphanet 84081, MedGen C4015542, MONDO:0014537, OMIM 616217.
Autosomal recessive nonsyndromic hearing loss 66 (DFNB66). Also called: Deafness, autosomal recessive 66. Identifiers: Orphanet 90636, MedGen C1857750, MONDO:0012442, OMIM 610212.
Inborn genetic diseases. Identifiers: MedGen C0950123, MeSH D030342.

Allele frequency attached by ClinVar (database versions not stated): gnomAD 0.00001; gnomAD exomes 0.00001 and 0.00006; TOPMed 0.00004; ExAC 0.00005.
gnomAD v4.1: 9 of 1,613,456 alleles (0.00056%); highest among the groups gnomAD compares: East Asian, 0.018%; no homozygotes.

Submissions (4):

PreventionGenetics, part of Exact Sciences
Classification: Uncertain significance for DCDC2-related condition. Last evaluated: 2026-09-01. Review status: criteria provided, single submitter. Criteria: ACMG Guidelines, 2015. Collection method: clinical testing. Allele origin: germline.
Comment: The DCDC2 c.1364T>C variant is predicted to result in the amino acid substitution p.Val455Ala. To our knowledge, this variant has not been reported in the literature. This variant is reported in 0.075% of alleles in individuals of East Asian descent in gnomAD. Although we suspect that this variant may be benign, at this time, the clinical significance of this variant is uncertain due to the absence of conclusive functional and genetic evidence.

Ambry Genetics
Classification: Uncertain significance for Inborn genetic diseases. Last evaluated: 2024-02-12. Review status: criteria provided, single submitter. Criteria: Ambry Variant Classification Scheme 2023. Collection method: clinical testing. Allele origin: germline.

Fulgent Genetics
Classification: Uncertain significance for Autosomal recessive nonsyndromic hearing loss 66; Nephronophthisis 19; Isolated neonatal sclerosing cholangitis. Last evaluated: 2021-07-20. Review status: criteria provided, single submitter. Criteria: ACMG Guidelines, 2015. Collection method: clinical testing. Allele origin: unknown.

Eurofins Ntd Llc (ga)
Classification: Uncertain significance. Last evaluated: 2017-10-10. Review status: criteria provided, single submitter. Criteria: EGL Classification Definitions 2015. Collection method: clinical testing. Allele origin: germline. Observed: 2 variant alleles, 2 heterozygotes.

NM_016356.5(DCDC2):c.1364T>C (p.Val455Ala)

Gene: DCDC2 (doublecortin domain containing 2; minus strand). Cytogenetic location: 6p22.3.
Variant type: single nucleotide variant.
Coding change: c.1364T>C on transcript NM_016356.5 (MANE Select); coding-DNA position 1364, T replaced by C.
Protein change: p.Val455Ala; replaces valine 455 with alanine.
Molecular consequence: missense variant.
Genome position (GRCh38, 1-based): chr6:24,174,797, A>G on the plus strand (T>C on the coding strand, the complement: DCDC2 is on the minus strand). VCF-style: chr6-24174797-A-G. GRCh37 (hg19) VCF-style: chr6-24175025-A-G.
Other names: c.1364T>C, p.Val455Ala (NM_001195610.2); c.1364T>C (NM_016356.3, NM_016356.4); short protein forms V455A.
Identifiers: ClinVar variation 594461 (VCV000594461.8), dbSNP rs763350514, ClinGen allele CA3654435.